The following is an entry in ClinVar:

NM_002637.4(PHKA1):c.1592A>G (p.Tyr531Cys)

Gene: PHKA1 (phosphorylase kinase regulatory subunit alpha 1; minus strand). Cytogenetic location: Xq13.1.
Variant type: single nucleotide variant.
Coding change: c.1592A>G on transcript NM_002637.4 (MANE Select); coding-DNA position 1592, A replaced by G.
Protein change: p.Tyr531Cys; replaces tyrosine 531 with cysteine.
Molecular consequence: missense variant.
Genome position (GRCh38, 1-based): chrX:72,635,277, T>C on the plus strand (A>G on the coding strand, the complement: PHKA1 is on the minus strand). VCF-style: chrX-72635277-T-C. GRCh37 (hg19) VCF-style: chrX-71855127-T-C.
Other names: c.1592A>G, p.Tyr531Cys (NM_001122670.2, NM_001172436.2); short protein forms Y531C.
Identifiers: ClinVar variation 2785089 (VCV002785089.3), dbSNP rs781878909, ClinGen allele CA10450844.

ClinVar aggregate classification (germline): Uncertain significance (1 of 4 stars; one submission).

Conditions:
Glycogen storage disease IXd (GSD9D). Also called: GSD IXd; Muscle Phosphorylase Kinase Deficiency. Identifiers: Orphanet 715, MedGen C1845151, MONDO:0010362, OMIM 300559.

gnomAD v4.1: 3 of 1,209,523 alleles (0.00025%); highest among the groups gnomAD compares: East Asian, 0.003%; no homozygotes.

Submission:

Labcorp Genetics (formerly Invitae), Labcorp
Classification: Uncertain significance for Glycogen storage disease IXd. Last evaluated: 2023-10-03. Review status: criteria provided, single submitter. Criteria: Invitae Variant Classification Sherloc (09022015). Collection method: clinical testing. Allele origin: germline.
Comment: This sequence change replaces tyrosine, which is neutral and polar, with cysteine, which is neutral and slightly polar, at codon 531 of the PHKA1 protein (p.Tyr531Cys). This variant is present in population databases (rs781878909, gnomAD 0.008%). This variant has not been reported in the literature in individuals affected with PHKA1-related conditions. Advanced modeling of protein sequence and biophysical properties (such as structural, functional, and spatial information, amino acid conservation, physicochemical variation, residue mobility, and thermodynamic stability) performed at Invitae indicates that this missense variant is expected to disrupt PHKA1 protein function. In summary, the available evidence is currently insufficient to determine the role of this variant in disease. Therefore, it has been classified as a Variant of Uncertain Significance.